The following is an entry in ClinVar:

NM_001164508.2(NEB):c.153_167dup (p.52LAQPA[3])

Gene: NEB (nebulin; minus strand). Cytogenetic location: 2q23.3.
Variant type: Duplication.
Coding change: c.153_167dup on transcript NM_001164508.2 (MANE Select); coding-DNA positions 153 to 167, 15 bases duplicated (TCTGGCACAGCCAGC).
Protein change: p.52LAQPA[3].
Molecular consequence: inframe insertion.
Genome position (GRCh38, 1-based): chr2:151,727,818-151,727,832, GCTGGCTGTGCCAGA duplicated on the plus strand (TCTGGCACAGCCAGC on the coding strand, the reverse complement: NEB is on the minus strand); duplicating any 15 consecutive bases within chr2:151,727,818-151,727,837 gives the same sequence; the c. name uses the placement nearest the transcript's 3' end. VCF-style (leftmost placement, unchanged base first): chr2-151727817-T-TGCTGGCTGTGCCAGA. GRCh37 (hg19) VCF-style: chr2-152584331-T-TGCTGGCTGTGCCAGA.
Other names: c.153_167dup, p.52LAQPA[3] (NM_001164507.2, NM_001271208.2, NM_004543.5); c.153_167dupTCTGGCACAGCCAGC (NM_001271208.2).
Identifiers: ClinVar variation 419871 (VCV000419871.33), dbSNP rs757726895, ClinGen allele CA1911983.

ClinVar aggregate classification (germline): Conflicting classifications of pathogenicity. Review status: criteria provided, conflicting classifications (1 of 4 stars). 7 submissions from 7 submitters: Uncertain significance (1); Benign (2); Likely benign (3). 1 of the submissions does not count toward it. Last evaluated 2026-01-28.

Conditions:
Nemaline myopathy 2 (NEM2). Also called: Nemaline myopathy 2, autosomal recessive. Identifiers: MedGen C1850569, MONDO:0009725, OMIM 256030.

Submissions (7):

Labcorp Genetics (formerly Invitae), Labcorp
Classification: Benign for Nemaline myopathy 2. Last evaluated: 2026-01-28. Review status: criteria provided, single submitter. Criteria: Invitae Variant Classification Sherloc (09022015). Collection method: clinical testing. Allele origin: germline.

CeGaT Center for Human Genetics Tuebingen
Classification: Likely benign. Last evaluated: 2025-07-01. Review status: criteria provided, single submitter. Criteria: CeGaT Center For Human Genetics Tuebingen Variant Classification Criteria Version 2. Collection method: clinical testing. Allele origin: germline. Affected: yes. Observed: 1 variant allele.
Comment: NEB: PM4, BS1, BS2

Genome-Nilou Lab
Classification: Likely benign for Nemaline myopathy 2. Last evaluated: 2021-06-10. Review status: criteria provided, single submitter. Criteria: ACMG Guidelines, 2015. Collection method: clinical testing. Allele origin: germline. Affected: no.

GeneDx
Classification: Benign. Last evaluated: 2020-11-19. Review status: criteria provided, single submitter. Criteria: GeneDx Variant Classification Process June 2021. Collection method: clinical testing. Allele origin: germline. Affected: yes.

Athena Diagnostics
Classification: Likely benign. Last evaluated: 2017-11-30. Review status: criteria provided, single submitter. Criteria: Athena Diagnostics Criteria. Collection method: clinical testing. Allele origin: germline.

Eurofins Ntd Llc (ga)
Classification: Uncertain significance. Last evaluated: 2016-09-12. Review status: criteria provided, single submitter. Criteria: EGL Classification Definitions. Collection method: clinical testing. Allele origin: germline. Observed: 2 variant alleles, 2 heterozygotes.

Natera, Inc.
Classification: Likely benign for Nemaline myopathy type 2. Last evaluated: 2020-01-06. Review status: no assertion criteria provided. Collection method: clinical testing. Allele origin: germline. Not counted in ClinVar's aggregate classification.